The following is an entry in ClinVar:

ClinVar aggregate classification (germline): Uncertain significance. Review status: criteria provided, multiple submitters, no conflicts (2 of 4 stars). 3 submissions from 3 submitters: Uncertain significance (3). Last evaluated 2025-10-01.

Conditions:
COL4A4-related disorder.

Allele frequency attached by ClinVar (database versions not stated): gnomAD 0.00001.
gnomAD v4.1: 1 of 1,613,686 alleles (0.000062%); highest among the groups gnomAD compares: Admixed American, 0.0017%; no homozygotes.

Submissions (3):

Labcorp Genetics (formerly Invitae), Labcorp
Classification: Uncertain significance. Last evaluated: 2025-10-01. Review status: criteria provided, single submitter. Criteria: Invitae Variant Classification Sherloc (09022015). Collection method: clinical testing. Allele origin: germline.
Comment: This sequence change replaces valine, which is neutral and non-polar, with aspartic acid, which is acidic and polar, at codon 820 of the COL4A4 protein (p.Val820Asp). This variant is not present in population databases (gnomAD no frequency). This variant has not been reported in the literature in individuals affected with COL4A4-related conditions. ClinVar contains an entry for this variant (Variation ID: 2504278). Invitae Evidence Modeling of protein sequence and biophysical properties (such as structural, functional, and spatial information, amino acid conservation, physicochemical variation, residue mobility, and thermodynamic stability) indicates that this missense variant is not expected to disrupt COL4A4 protein function with a negative predictive value of 95%. In summary, the available evidence is currently insufficient to determine the role of this variant in disease. Therefore, it has been classified as a Variant of Uncertain Significance.

PreventionGenetics, part of Exact Sciences
Classification: Uncertain significance for COL4A4-related condition. Last evaluated: 2024-10-17. Review status: criteria provided, single submitter. Criteria: ACMG Guidelines, 2015. Collection method: clinical testing. Allele origin: germline.
Comment: The COL4A4 c.2459T>A variant is predicted to result in the amino acid substitution p.Val820Asp. To our knowledge, this variant has not been reported in the literature or in a large population database (gnomAD), indicating this variant is rare. At this time, the clinical significance of this variant is uncertain due to the absence of conclusive functional and genetic evidence.

GeneDx
Classification: Uncertain significance. Last evaluated: 2022-11-30. Review status: criteria provided, single submitter. Criteria: GeneDx Variant Classification Process June 2021. Collection method: clinical testing. Allele origin: germline. Affected: yes.
Comment: Occurs in the triple helical domain at the X position in the canonical Gly-X-Y repeat; although this variant may have an effect on normal protein folding and function, missense substitution at the X position is not a common mechanism of disease; Not observed at significant frequency in large population cohorts (gnomAD); In silico analysis supports that this missense variant does not alter protein structure/function; Has not been previously published as pathogenic or benign to our knowledge

NM_000092.5(COL4A4):c.2459T>A (p.Val820Asp)

Gene: COL4A4 (collagen type IV alpha 4 chain; minus strand). Cytogenetic location: 2q36.3.
Variant type: single nucleotide variant.
Coding change: c.2459T>A on transcript NM_000092.5 (MANE Select); coding-DNA position 2459, T replaced by A.
Protein change: p.Val820Asp; replaces valine 820 with aspartic acid.
Molecular consequence: missense variant.
Genome position (GRCh38, 1-based): chr2:227,057,525, A>T on the plus strand (T>A on the coding strand, the complement: COL4A4 is on the minus strand). VCF-style: chr2-227057525-A-T. GRCh37 (hg19) VCF-style: chr2-227922241-A-T.
Other names: short protein forms V820D.
Identifiers: ClinVar variation 2504278 (VCV002504278.3), dbSNP rs1975746031, ClinGen allele CA350841338.